The following is an entry in ClinVar:

NM_005560.6(LAMA5):c.3995G>T (p.Ser1332Ile)

Gene: LAMA5 (laminin subunit alpha 5; minus strand). Cytogenetic location: 20q13.33.
Variant type: single nucleotide variant.
Coding change: c.3995G>T on transcript NM_005560.6 (MANE Select); coding-DNA position 3995, G replaced by T.
Protein change: p.Ser1332Ile; replaces serine 1332 with isoleucine.
Molecular consequence: missense variant.
Genome position (GRCh38, 1-based): chr20:62,329,901, C>A on the plus strand (G>T on the coding strand, the complement: LAMA5 is on the minus strand). VCF-style: chr20-62329901-C-A. GRCh37 (hg19) VCF-style: chr20-60904957-C-A.
Other names: short protein forms S1332I.
Identifiers: ClinVar variation 1486872 (VCV001486872.6), dbSNP rs765431295, ClinGen allele CA9942760.
Genomic context (GRCh38, chr20:62,329,901, plus strand): 5'-AGCAGGGCCTGGCCCTCACACACCACCAGGGTGCGGCAGCCGTAGCCATGTGGACAGAAG[C>A]TGGCGTTGGCGTGGCCTGGGCGGGGGAGAAAGGCAGGGTCAGGCCCCCATCTCTAGCGCC-3'
Protein context (NP_005551.3, residues 1322-1342): GRVWQGHANA[Ser1332Ile]FCPHGYGCRT

ClinVar aggregate classification (germline): Uncertain significance (1 of 4 stars; one submission).

Allele frequency attached by ClinVar (database versions not stated): gnomAD exomes below 0.00001; gnomAD 0.00001 and 0.00011; ExAC 0.00002; TOPMed 0.00013.
gnomAD v4.1: 18 of 1,611,630 alleles (0.0011%); highest among the groups gnomAD compares: Non-Finnish European, 0.00025%; 1 homozygote.

Submission:

Labcorp Genetics (formerly Invitae), Labcorp
Classification: Uncertain significance. Last evaluated: 2021-12-03. Review status: criteria provided, single submitter. Criteria: Invitae Variant Classification Sherloc (09022015). Collection method: clinical testing. Allele origin: germline.
Comment: Algorithms developed to predict the effect of missense changes on protein structure and function are either unavailable or do not agree on the potential impact of this missense change (SIFT: "Deleterious"; PolyPhen-2: "Possibly Damaging"; Align-GVGD: "Class C0"). This variant has not been reported in the literature in individuals affected with LAMA5-related conditions. The frequency data for this variant in the population databases is considered unreliable, as metrics indicate poor data quality at this position in the gnomAD database. This sequence change replaces serine, which is neutral and polar, with isoleucine, which is neutral and non-polar, at codon 1332 of the LAMA5 protein (p.Ser1332Ile). In summary, the available evidence is currently insufficient to determine the role of this variant in disease. Therefore, it has been classified as a Variant of Uncertain Significance.